The following is an entry in ClinVar:

NM_000175.5(GPI):c.569C>T (p.Thr190Ile)

Gene: GPI (glucose-6-phosphate isomerase; plus strand). Cytogenetic location: 19q13.11.
Variant type: single nucleotide variant.
Coding change: c.569C>T on transcript NM_000175.5 (MANE Select); coding-DNA position 569, C replaced by T.
Protein change: p.Thr190Ile; replaces threonine 190 with isoleucine.
Molecular consequence: missense variant.
Genome position (GRCh38, 1-based): chr19:34,377,817, C>T. VCF-style: chr19-34377817-C-T. GRCh37 (hg19) VCF-style: chr19-34868722-C-T.
Other names: c.602C>T, p.Thr201Ile (NM_001184722.1); c.686C>T, p.Thr229Ile (NM_001289789.1); c.485C>T, p.Thr162Ile (NM_001289790.3); c.569C>T, p.Thr190Ile (NM_001329909.1, NM_001329910.1, NM_001329911.2); short protein forms T201I, T229I, T162I, T190I.
Identifiers: ClinVar variation 2086429 (VCV002086429.4), dbSNP rs1350147550, ClinGen allele CA405251057.

ClinVar aggregate classification (germline): Uncertain significance (1 of 4 stars; one submission).

Submission:

Labcorp Genetics (formerly Invitae), Labcorp
Classification: Uncertain significance. Last evaluated: 2022-04-21. Review status: criteria provided, single submitter. Criteria: Invitae Variant Classification Sherloc (09022015). Collection method: clinical testing. Allele origin: germline.
Comment: In summary, the available evidence is currently insufficient to determine the role of this variant in disease. Therefore, it has been classified as a Variant of Uncertain Significance. Algorithms developed to predict the effect of missense changes on protein structure and function are either unavailable or do not agree on the potential impact of this missense change (SIFT: "Deleterious"; PolyPhen-2: "Probably Damaging"; Align-GVGD: "Class C0"). This variant has not been reported in the literature in individuals affected with GPI-related conditions. This variant is present in population databases (no rsID available, gnomAD 0.007%). This sequence change replaces threonine, which is neutral and polar, with isoleucine, which is neutral and non-polar, at codon 190 of the GPI protein (p.Thr190Ile).